The following is an entry in ClinVar:

NM_001283009.2(RTEL1):c.440_443dup (p.Glu149fs)

Genes: RTEL1-TNFRSF6B (RTEL1-TNFRSF6B readthrough (NMD candidate); plus strand), RTEL1 (regulator of telomere elongation helicase 1; plus strand). Cytogenetic location: 20q13.33.
Variant type: Microsatellite.
Coding change: c.440_443dup on transcript NM_001283009.2 (MANE Select); coding-DNA positions 440 to 443, 4 bases duplicated (ATCC; older notation c.440_443dupATCC).
Protein change: p.Glu149fs; shifts the reading frame from glutamic acid 149.
Molecular consequence: frameshift variant. On other transcripts: non-coding transcript variant (1), 5 prime UTR variant (1).
Genome position (GRCh38, 1-based): chr20:63,662,590-63,662,593, ATCC duplicated; duplicating any 4 consecutive bases within chr20:63,662,585-63,662,593 gives the same sequence; the c. name uses the placement nearest the transcript's 3' end. VCF-style (leftmost placement, unchanged base first): chr20-63662584-G-GCATC. GRCh37 (hg19) VCF-style: chr20-62293937-G-GCATC.
Other names: c.-234ATCC[3] (NM_001283010.1); c.440_443dup, p.Glu149fs (NM_016434.4); c.512_515dup, p.Glu173fs (NM_032957.5); short protein forms E149fs, E173fs.
Identifiers: ClinVar variation 1442444 (VCV001442444.6), dbSNP rs2146153920, ClinGen allele CA2580616362.

ClinVar aggregate classification (germline): Pathogenic (1 of 4 stars; one submission).

Conditions:
Pulmonary fibrosis and/or bone marrow failure, Telomere-related, 3. Also called: PULMONARY FIBROSIS AND/OR BONE MARROW FAILURE SYNDROME, TELOMERE-RELATED, 3. Identifiers: Orphanet 2032, MedGen C4225346, MONDO:0014613, OMIM 616373.
Dyskeratosis congenita, autosomal recessive 5 (DKCB5). Identifiers: MedGen C3554656, MONDO:0014076, OMIM 615190.

Submission:

Labcorp Genetics (formerly Invitae), Labcorp
Classification: Pathogenic for Dyskeratosis congenita, autosomal recessive 5; Pulmonary fibrosis and/or bone marrow failure, Telomere-related, 3. Last evaluated: 2021-03-13. Review status: criteria provided, single submitter. Criteria: Invitae Variant Classification Sherloc (09022015). Collection method: clinical testing. Allele origin: germline.
Comment: For these reasons, this variant has been classified as Pathogenic. This variant has not been reported in the literature in individuals with RTEL1-related conditions. This variant is not present in population databases (ExAC no frequency). This sequence change creates a premature translational stop signal (p.Glu149Serfs*2) in the RTEL1 gene. It is expected to result in an absent or disrupted protein product. Loss-of-function variants in RTEL1 are known to be pathogenic (PMID: 23453664, 23959892, 25607374).

Literature cited by the submitters: PubMed 23453664; PubMed 23959892; PubMed 25607374.